The following is an entry in ClinVar:

NM_006846.4(SPINK5):c.1059C>T (p.Asn353=)

Gene: SPINK5 (serine peptidase inhibitor Kazal type 5; plus strand). Cytogenetic location: 5q32.
Variant type: single nucleotide variant.
Coding change: c.1059C>T on transcript NM_006846.4 (MANE Select); coding-DNA position 1059, C replaced by T.
Protein change: p.Asn353=; no amino-acid change (asparagine 353 retained).
Molecular consequence: synonymous variant.
Genome position (GRCh38, 1-based): chr5:148,099,282, C>T. VCF-style: chr5-148099282-C-T. GRCh37 (hg19) VCF-style: chr5-147478845-C-T.
Other names: c.1059C>T, p.Asn353= (NM_001127698.2, NM_001127699.2).
Identifiers: ClinVar variation 2183975 (VCV002183975.11), dbSNP rs763193641, ClinGen allele CA3495453.

ClinVar aggregate classification (germline): Likely benign. Review status: criteria provided, multiple submitters, no conflicts (2 of 4 stars). 2 submissions from 2 submitters: Likely benign (2). Last evaluated 2026-08-01.

Conditions:
Ichthyosis linearis circumflexa. Identifiers: MedGen C0265962, MONDO:0043106, HP:0025810.

Allele frequency attached by ClinVar (database versions not stated): gnomAD 0.00001; gnomAD exomes 0.00002; ExAC 0.00008.
gnomAD v4.1: 31 of 1,612,318 alleles (0.0019%); highest among the groups gnomAD compares: South Asian, 0.022%; no homozygotes.

Submissions (2):

CeGaT Center for Human Genetics Tuebingen
Classification: Likely benign. Last evaluated: 2026-08-01. Review status: criteria provided, single submitter. Criteria: CeGaT Center For Human Genetics Tuebingen Variant Classification Criteria Version 2. Collection method: clinical testing. Allele origin: germline. Affected: yes. Observed: 2 variant alleles.
Comment: SPINK5: BP4, BP7

Labcorp Genetics (formerly Invitae), Labcorp
Classification: Likely benign for Ichthyosis linearis circumflexa. Last evaluated: 2024-01-15. Review status: criteria provided, single submitter. Criteria: Invitae Variant Classification Sherloc (09022015). Collection method: clinical testing. Allele origin: germline.